The following is an entry in ClinVar:

NM_001122630.2(CDKN1C):c.671A>T (p.Gln224Leu)

Gene: CDKN1C (cyclin dependent kinase inhibitor 1C; minus strand). Cytogenetic location: 11p15.4.
Variant type: single nucleotide variant.
Coding change: c.671A>T on transcript NM_001122630.2 (MANE Select); coding-DNA position 671, A replaced by T.
Protein change: p.Gln224Leu; replaces glutamine 224 with leucine.
Molecular consequence: missense variant. On other transcripts: intron variant (1).
Genome position (GRCh38, 1-based): chr11:2,884,786, T>A on the plus strand (A>T on the coding strand, the complement: CDKN1C is on the minus strand). VCF-style: chr11-2884786-T-A. GRCh37 (hg19) VCF-style: chr11-2906016-T-A.
Other names: c.704A>T, p.Gln235Leu (NM_000076.2, NM_001362474.2); c.671A>T, p.Gln224Leu (NM_001122631.2); c.255+416A>T (NM_001362475.2); short protein forms Q224L, Q235L.
Identifiers: ClinVar variation 5018024 (VCV005018024.1).

ClinVar aggregate classification (germline): Uncertain significance (1 of 4 stars; one submission).

Submission:

GeneDx
Classification: Uncertain significance. Last evaluated: 2026-04-01. Review status: criteria provided, single submitter. Criteria: GeneDx Variant Classification Process June 2021. Collection method: clinical testing. Allele origin: germline.
Comment: Not observed at significant frequency in large population cohorts (gnomAD); In silico analysis suggests that this missense variant does not alter protein structure/function; Has not been previously published as pathogenic or benign to our knowledge